The following is an entry in ClinVar:

ClinVar aggregate classification (germline): Conflicting classifications of pathogenicity. Review status: criteria provided, conflicting classifications (1 of 4 stars). 2 submissions from 2 submitters: Uncertain significance (1); Benign (1). Last evaluated 2025-08-03.

Conditions:
Spinocerebellar ataxia, autosomal recessive, with axonal neuropathy 2 (SCAN2). Also called: ATAXIA-OCULOMOTOR APRAXIA 2; Ataxia with Oculomotor Apraxia Type 2; Ataxia-ocular apraxia-2; Ataxia with Oculomotor Apraxia. Identifiers: Orphanet 64753, MedGen C1853761, MONDO:0018996, OMIM 606002.
Amyotrophic lateral sclerosis type 4 (ALS4). Also called: NEURONOPATHY, DISTAL HEREDITARY MOTOR, WITH PYRAMIDAL FEATURES; AMYOTROPHIC LATERAL SCLEROSIS 4, JUVENILE. Identifiers: Orphanet 357043, MedGen C1865409, MONDO:0011223, OMIM 602433.

Allele frequency attached by ClinVar (database versions not stated): ExAC 0.00002; TOPMed 0.00002; gnomAD 0.00003; gnomAD exomes 0.00003 and 0.00004.

Submissions (2):

Labcorp Genetics (formerly Invitae), Labcorp
Classification: Benign for Amyotrophic lateral sclerosis type 4; Spinocerebellar ataxia, autosomal recessive, with axonal neuropathy 2. Last evaluated: 2025-08-03. Review status: criteria provided, single submitter. Criteria: Invitae Variant Classification Sherloc (09022015). Collection method: clinical testing. Allele origin: germline.

Women's Health and Genetics/Laboratory Corporation of America, LabCorp
Classification: Uncertain significance. Last evaluated: 2025-02-28. Review status: criteria provided, single submitter. Criteria: LabCorp Variant Classification Summary - May 2015. Collection method: clinical testing. Allele origin: germline.
Comment: Variant summary: SETX c.503G>A (p.Arg168Gln) results in a conservative amino acid change in the encoded protein sequence. Four of five in-silico tools predict a damaging effect of the variant on protein function. The variant allele was found at a frequency of 2.6e-05 in 1608992 control chromosomes. This frequency is not significantly higher than estimated for a pathogenic variant in SETX causing Spinocerebellar ataxia, autosomal recessive, with axonal neuropathy 2 (2.6e-05 vs 0.0012)(gnomAD database v4), allowing no conclusion about variant significance. c.503G>A has been reported in the literature in individuals affected with Spinocerebellar ataxia, autosomal recessive, with axonal neuropathy 2. These data do not allow any conclusion about variant significance. To our knowledge, no experimental evidence demonstrating an impact on protein function has been reported. ClinVar contains an entry for this variant (Variation ID: 1421207). Based on the evidence outlined above, the variant was classified as uncertain significance.

Literature cited by the submitters: PubMed 25382069 (cited by Women's Health and Genetics/Laboratory Corporation of America, LabCorp).

NM_015046.7(SETX):c.503G>A (p.Arg168Gln)

Gene: SETX (senataxin; minus strand). Cytogenetic location: 9q34.13.
Variant type: single nucleotide variant.
Coding change: c.503G>A on transcript NM_015046.7 (MANE Select); coding-DNA position 503, G replaced by A.
Protein change: p.Arg168Gln; replaces arginine 168 with glutamine.
Molecular consequence: missense variant.
Genome position (GRCh38, 1-based): chr9:132,336,511, C>T on the plus strand (G>A on the coding strand, the complement: SETX is on the minus strand). VCF-style: chr9-132336511-C-T. GRCh37 (hg19) VCF-style: chr9-135211898-C-T.
Other names: c.503G>A, p.Arg168Gln (NM_001351527.2, NM_001351528.2); c.503G>A (NM_015046.5); short protein forms R168Q.
Identifiers: ClinVar variation 1421207 (VCV001421207.11), dbSNP rs772017103, ClinGen allele CA5298012.